The following is an entry in ClinVar:

NM_000051.4(ATM):c.1825G>C (p.Glu609Gln)

Gene: ATM (ATM serine/threonine kinase; plus strand). Cytogenetic location: 11q22.3.
Variant type: single nucleotide variant.
Coding change: c.1825G>C on transcript NM_000051.4 (MANE Select); coding-DNA position 1825, G replaced by C.
Protein change: p.Glu609Gln; replaces glutamic acid 609 with glutamine.
Molecular consequence: missense variant.
Genome position (GRCh38, 1-based): chr11:108,252,839, G>C. VCF-style: chr11-108252839-G-C. GRCh37 (hg19) VCF-style: chr11-108123566-G-C.
Other names: c.1825G>C, p.Glu609Gln (NM_001351834.2); c.1825G>C (NM_000051.3); short protein forms E609Q.
Identifiers: ClinVar variation 584779 (VCV000584779.21), dbSNP rs779780896, ClinGen allele CA6264884.

ClinVar aggregate classification (germline): Uncertain significance. Review status: criteria provided, multiple submitters, no conflicts (2 of 4 stars). 5 submissions from 5 submitters: Uncertain significance (4). 1 of the submissions does not count toward it. Last evaluated 2025-11-13.

Conditions:
Hereditary cancer. Identifiers: MedGen C1333600.
Familial cancer of breast. Also called: hereditary breast carcinoma; BREAST CANCER, FAMILIAL; Hereditary breast cancer. Identifiers: Orphanet 227535, MedGen C0346153, MONDO:0016419, OMIM 114480. Disease mechanism: loss of function.
Ataxia-telangiectasia syndrome (AT). Also called: Ataxia-telangiectasia, complementation group D; AT, COMPLEMENTATION GROUP C; Ataxia-telangiectasia, complementation group E; Cerebello-oculocutaneous telangiectasia; Immunodeficiency with ataxia telangiectasia; ATAXIA-TELANGIECTASIA, COMPLEMENTATION GROUP A. Identifiers: Orphanet 100, MedGen C0004135, MONDO:0008840, OMIM 208900.
Hereditary cancer-predisposing syndrome. Also called: Neoplastic Syndromes, Hereditary; Hereditary Cancer Syndrome; Tumor predisposition; Hereditary neoplastic syndrome. Identifiers: Orphanet 140162, MedGen C0027672, MeSH D009386, MONDO:0015356.

Allele frequency attached by ClinVar (database versions not stated): gnomAD exomes below 0.00001; TOPMed below 0.00001; ExAC 0.00001.
gnomAD v4.1: 1 of 1,612,568 alleles (0.000062%); highest among the groups gnomAD compares: Non-Finnish European, 0.000085%; no homozygotes.

Submissions (5):

Ambry Genetics
Classification: Uncertain significance for Hereditary cancer-predisposing syndrome. Last evaluated: 2025-11-13. Review status: criteria provided, single submitter. Criteria: Ambry Variant Classification Scheme 2023. Collection method: clinical testing. Allele origin: germline.
Comment: The p.E609Q variant (also known as c.1825G>C), located in coding exon 11 of the ATM gene, results from a G to C substitution at nucleotide position 1825. The glutamic acid at codon 609 is replaced by glutamine, an amino acid with highly similar properties. This amino acid position is not well conserved in available vertebrate species. In addition, this alteration is predicted to be tolerated by in silico analysis. Based on the available evidence, the clinical significance of this variant remains unclear.

Mendelics
Classification: Uncertain significance for Hereditary cancer. Last evaluated: 2025-06-23. Review status: criteria provided, single submitter. Criteria: ACMG Guidelines, 2015. Collection method: clinical testing. Allele origin: unknown.
Comment: The available evidence is insufficient to conclusively determine the role of this variant. Therefore, it is classified as a Variant of Uncertain Significance.

Labcorp Genetics (formerly Invitae), Labcorp
Classification: Uncertain significance for Ataxia-telangiectasia syndrome. Last evaluated: 2025-03-23. Review status: criteria provided, single submitter. Criteria: Invitae Variant Classification Sherloc (09022015). Collection method: clinical testing. Allele origin: germline.
Comment: This sequence change replaces glutamic acid, which is acidic and polar, with glutamine, which is neutral and polar, at codon 609 of the ATM protein (p.Glu609Gln). This variant is present in population databases (rs779780896, gnomAD 0.0009%). This missense change has been observed in individual(s) with breast cancer (PMID: 35264596). ClinVar contains an entry for this variant (Variation ID: 584779). Invitae Evidence Modeling of protein sequence and biophysical properties (such as structural, functional, and spatial information, amino acid conservation, physicochemical variation, residue mobility, and thermodynamic stability) indicates that this missense variant is not expected to disrupt ATM protein function with a negative predictive value of 95%. RNA analysis performed to evaluate the impact of this missense change on mRNA splicing indicates it does not significantly alter splicing (internal data). In summary, the available evidence is currently insufficient to determine the role of this variant in disease. Therefore, it has been classified as a Variant of Uncertain Significance.

MGZ Medical Genetics Center
Classification: Uncertain significance for Familial cancer of breast. Last evaluated: 2022-01-27. Review status: criteria provided, single submitter. Criteria: ACMG Guidelines, 2015. Collection method: clinical testing. Allele origin: germline. Affected: yes. Observed: 1 variant allele.
Comment: ACMG criteria applied: PM2_SUP, BP4

Natera, Inc.
Classification: Uncertain significance for Ataxia-telangiectasia. Last evaluated: 2020-10-09. Review status: no assertion criteria provided. Collection method: clinical testing. Allele origin: germline. Not counted in ClinVar's aggregate classification.

Literature cited by the submitters: PubMed 29684080 (cited by Ambry Genetics); PubMed 35264596 (cited by Labcorp Genetics (formerly Invitae), Labcorp).